The following is an entry in ClinVar:

ClinVar aggregate classification (germline): Pathogenic (1 of 4 stars; one submission).

Conditions:
Congenital myotonia, autosomal recessive form. Also called: BECKER DISEASE; Becker Generalized Myotonia; myotonia congenita, autosomal recessive. Identifiers: Orphanet 614, MedGen C0751360, MONDO:0009715, OMIM 255700.

Submission:

Institute of Human Genetics, University of Leipzig Medical Center
Classification: Pathogenic for Congenital myotonia, autosomal recessive form. Last evaluated: 2026-01-07. Review status: criteria provided, single submitter. Criteria: ACMG Guidelines, 2015. Collection method: clinical testing. Allele origin: paternal. Inheritance: Autosomal recessive inheritance. Affected: yes.
Comment: Criteria applied: PM5_STR,PM1,PM2,PP3,PP4; Identified as compund heterozygous with NM_000083.3:c.434-1_437del

NM_000083.3(CLCN1):c.1562C>T (p.Pro521Leu)

Gene: CLCN1 (chloride voltage-gated channel 1; plus strand). Cytogenetic location: 7q34.
Variant type: single nucleotide variant.
Coding change: c.1562C>T on transcript NM_000083.3 (MANE Select); coding-DNA position 1562, C replaced by T.
Protein change: p.Pro521Leu; replaces proline 521 with leucine.
Molecular consequence: missense variant. On other transcripts: non-coding transcript variant (1).
Genome position (GRCh38, 1-based): chr7:143,339,601, C>T. VCF-style: chr7-143339601-C-T. GRCh37 (hg19) VCF-style: chr7-143036694-C-T.
Other names: short protein forms P521L.
Identifiers: ClinVar variation 4819108 (VCV004819108.2).